The following is an entry in ClinVar:

ClinVar aggregate classification (germline): Uncertain significance. Review status: criteria provided, multiple submitters, no conflicts (2 of 4 stars). 2 submissions from 2 submitters: Uncertain significance (2). Last evaluated 2024-05-16.

Allele frequency attached by ClinVar (database versions not stated): TOPMed below 0.00001.

Submissions (2):

Ambry Genetics
Classification: Uncertain significance. Last evaluated: 2024-05-16. Review status: criteria provided, single submitter. Criteria: Ambry Variant Classification Scheme 2023. Collection method: clinical testing. Allele origin: germline.
Comment: The p.K625R variant (also known as c.1874A>G), located in coding exon 14 of the RECQL gene, results from an A to G substitution at nucleotide position 1874. The lysine at codon 625 is replaced by arginine, an amino acid with highly similar properties. This amino acid position is conserved. In addition, this alteration is predicted to be tolerated by in silico analysis. Since supporting evidence is limited at this time, the clinical significance of this alteration remains unclear.

Labcorp Genetics (formerly Invitae), Labcorp
Classification: Uncertain significance. Last evaluated: 2022-12-29. Review status: criteria provided, single submitter. Criteria: Invitae Variant Classification Sherloc (09022015). Collection method: clinical testing. Allele origin: germline.
Comment: Algorithms developed to predict the effect of missense changes on protein structure and function (SIFT, PolyPhen-2, Align-GVGD) all suggest that this variant is likely to be tolerated. In summary, the available evidence is currently insufficient to determine the role of this variant in disease. Therefore, it has been classified as a Variant of Uncertain Significance. ClinVar contains an entry for this variant (Variation ID: 1781740). This variant has not been reported in the literature in individuals affected with RECQL-related conditions. This variant is not present in population databases (gnomAD no frequency). This sequence change replaces lysine, which is basic and polar, with arginine, which is basic and polar, at codon 625 of the RECQL protein (p.Lys625Arg).

NM_002907.4(RECQL):c.1874A>G (p.Lys625Arg)

Genes: PYROXD1 (pyridine nucleotide-disulphide oxidoreductase domain 1; plus strand), RECQL (RecQ like helicase; minus strand). Cytogenetic location: 12p12.1.
Variant type: single nucleotide variant.
Coding change: c.1874A>G on transcript NM_002907.4 (MANE Select); coding-DNA position 1874, A replaced by G.
Protein change: p.Lys625Arg; replaces lysine 625 with arginine.
Molecular consequence: missense variant. On other transcripts: 3 prime UTR variant (3).
Genome position (GRCh38, 1-based): chr12:21,470,270, T>C on the plus strand (A>G on the coding strand, the complement: RECQL is on the minus strand). VCF-style: chr12-21470270-T-C. GRCh37 (hg19) VCF-style: chr12-21623204-T-C.
Other names: c.1874A>G, p.Lys625Arg (NM_032941.3); c.*1516T>C (NM_001350912.2, NM_001350913.2, NM_024854.5); short protein forms K625R.
Identifiers: ClinVar variation 1781740 (VCV001781740.6), dbSNP rs1942905088, ClinGen allele CA384113739.
Genomic context (GRCh38, chr12:21,470,270, plus strand): 5'-TTTCTTTTCTTAGCTCCTGTATTCTTAGAACCAGATTGCTGAAGCATGTTTGCAGCCTTC[T>C]TCTGGAAGTTGCCTGAATTTTTTTCCTCCATCTTTTTATCACCTTGTTCAGAATGACAAG-3'
Protein context (NP_002898.2, residues 615-635): MEEKNSGNFQ[Lys625Arg]KAANMLQQSG